The following is an entry in ClinVar:

NM_032806.6(POMGNT2):c.1238G>C (p.Gly413Ala)

Gene: POMGNT2 (protein O-linked mannose N-acetylglucosaminyltransferase 2 (beta 1,4-); minus strand). Cytogenetic location: 3p22.1.
Variant type: single nucleotide variant.
Coding change: c.1238G>C on transcript NM_032806.6 (MANE Select); coding-DNA position 1238, G replaced by C.
Protein change: p.Gly413Ala; replaces glycine 413 with alanine.
Molecular consequence: missense variant.
Genome position (GRCh38, 1-based): chr3:43,080,194, C>G on the plus strand (G>C on the coding strand, the complement: POMGNT2 is on the minus strand). VCF-style: chr3-43080194-C-G. GRCh37 (hg19) VCF-style: chr3-43121686-C-G.
Other names: short protein forms G413A.
Identifiers: ClinVar variation 1426389 (VCV001426389.6), dbSNP rs1368751789, ClinGen allele CA352301552.

ClinVar aggregate classification (germline): Uncertain significance (1 of 4 stars; one submission).

Conditions:
Muscular dystrophy-dystroglycanopathy (congenital with brain and eye anomalies), type a, 8 (MDDGA8). Also called: WALKER-WARBURG SYNDROME OR MUSCLE-EYE-BRAIN DISEASE, GTDC2-RELATED. Identifiers: Orphanet 899, MedGen C3553813, MONDO:0013904, OMIM 614830.

Submission:

Labcorp Genetics (formerly Invitae), Labcorp
Classification: Uncertain significance for Muscular dystrophy-dystroglycanopathy (congenital with brain and eye anomalies), type a, 8. Last evaluated: 2022-10-05. Review status: criteria provided, single submitter. Criteria: Invitae Variant Classification Sherloc (09022015). Collection method: clinical testing. Allele origin: germline.
Comment: ClinVar contains an entry for this variant (Variation ID: 1426389). This sequence change replaces glycine, which is neutral and non-polar, with alanine, which is neutral and non-polar, at codon 413 of the POMGNT2 protein (p.Gly413Ala). This variant is not present in population databases (gnomAD no frequency). This variant has not been reported in the literature in individuals affected with POMGNT2-related conditions. Advanced modeling of protein sequence and biophysical properties (such as structural, functional, and spatial information, amino acid conservation, physicochemical variation, residue mobility, and thermodynamic stability) has been performed at Invitae for this missense variant, however the output from this modeling did not meet the statistical confidence thresholds required to predict the impact of this variant on POMGNT2 protein function. In summary, the available evidence is currently insufficient to determine the role of this variant in disease. Therefore, it has been classified as a Variant of Uncertain Significance.